The following is an entry in ClinVar:

ClinVar aggregate classification (germline): Uncertain significance (1 of 4 stars; one submission).

Allele frequency attached by ClinVar (database versions not stated): gnomAD 0.00001; ExAC 0.00002; gnomAD exomes 0.00004; ESP Exome Variant Server 0.00008.
gnomAD v4.1: 62 of 1,599,794 alleles (0.0039%); highest among the groups gnomAD compares: Non-Finnish European, 0.0044%; no homozygotes.

Submission:

Labcorp Genetics (formerly Invitae), Labcorp
Classification: Uncertain significance. Last evaluated: 2022-11-19. Review status: criteria provided, single submitter. Criteria: Invitae Variant Classification Sherloc (09022015). Collection method: clinical testing. Allele origin: germline.
Comment: In summary, the available evidence is currently insufficient to determine the role of this variant in disease. Therefore, it has been classified as a Variant of Uncertain Significance. Algorithms developed to predict the effect of missense changes on protein structure and function (SIFT, PolyPhen-2, Align-GVGD) all suggest that this variant is likely to be tolerated. This variant has not been reported in the literature in individuals affected with CNOT1-related conditions. This variant is present in population databases (rs201901545, gnomAD 0.01%). This sequence change replaces methionine, which is neutral and non-polar, with isoleucine, which is neutral and non-polar, at codon 651 of the CNOT1 protein (p.Met651Ile).

NM_016284.5(CNOT1):c.1953G>A (p.Met651Ile)

Gene: CNOT1 (CCR4-NOT transcription complex subunit 1; minus strand). Cytogenetic location: 16q21.
Variant type: single nucleotide variant.
Coding change: c.1953G>A on transcript NM_016284.5 (MANE Select); coding-DNA position 1953, G replaced by A.
Protein change: p.Met651Ile; replaces methionine 651 with isoleucine.
Molecular consequence: missense variant. On other transcripts: non-coding transcript variant (1).
Genome position (GRCh38, 1-based): chr16:58,574,635, C>T on the plus strand (G>A on the coding strand, the complement: CNOT1 is on the minus strand). VCF-style: chr16-58574635-C-T. GRCh37 (hg19) VCF-style: chr16-58608539-C-T.
Other names: c.1953G>A, p.Met651Ile (NM_001265612.2, NM_206999.3); short protein forms M651I.
Identifiers: ClinVar variation 2869469 (VCV002869469.3), dbSNP rs201901545, ClinGen allele CA8089805.